The following is an entry in ClinVar:

NM_007327.4(GRIN1):c.2172-3C>T

Gene: GRIN1 (glutamate ionotropic receptor NMDA type subunit 1; plus strand). Cytogenetic location: 9q34.3.
Variant type: single nucleotide variant.
Coding change: c.2172-3C>T on transcript NM_007327.4 (MANE Select); 3 bases into the intron before coding-DNA position 2172, C replaced by T.
Molecular consequence: intron variant.
Genome position (GRCh38, 1-based): chr9:137,163,166, C>T. VCF-style: chr9-137163166-C-T. GRCh37 (hg19) VCF-style: chr9-140057618-C-T.
Other names: c.2235-3C>T (NM_001185090.2, NM_001185091.2); c.2172-3C>T (NM_021569.4, NM_000832.7).
Identifiers: ClinVar variation 1062826 (VCV001062826.9), dbSNP rs2131301105, ClinGen allele CA2499219803.

ClinVar aggregate classification (germline): Uncertain significance (1 of 4 stars; one submission).

Conditions:
Neurodevelopmental disorder with or without hyperkinetic movements and seizures, autosomal dominant. Also called: Intellectual disability, autosomal dominant 8. Identifiers: MedGen C3280282, MONDO:0013655, OMIM 614254.

Allele frequency attached by ClinVar (database versions not stated): gnomAD exomes 0.00001.
gnomAD v4.1: 3 of 1,612,930 alleles (0.00019%); highest among the groups gnomAD compares: East Asian, 0.0067%; no homozygotes.

Submission:

Labcorp Genetics (formerly Invitae), Labcorp
Classification: Uncertain significance for Neurodevelopmental disorder with or without hyperkinetic movements and seizures, autosomal dominant. Last evaluated: 2020-03-06. Review status: criteria provided, single submitter. Criteria: Invitae Variant Classification Sherloc (09022015). Collection method: clinical testing. Allele origin: germline.
Comment: This variant is not present in population databases (ExAC no frequency). This sequence change falls in intron 15 of the GRIN1 gene. It does not directly change the encoded amino acid sequence of the GRIN1 protein, but it affects a nucleotide within the consensus splice site of the intron. This variant has not been reported in the literature in individuals with GRIN1-related conditions. Nucleotide substitutions within the consensus splice site are a relatively common cause of aberrant splicing (PMID: 17576681, 9536098). Algorithms developed to predict the effect of sequence changes on RNA splicing suggest that this variant may disrupt the consensus splice site, but this prediction has not been confirmed by published transcriptional studies. In summary, the available evidence is currently insufficient to determine the role of this variant in disease. Therefore, it has been classified as a Variant of Uncertain Significance.

Literature cited by the submitters: PubMed 17576681; PubMed 9536098.